The following is an entry in ClinVar:

NM_000465.4(BARD1):c.364+1G>A

Gene: BARD1 (BRCA1 associated RING domain 1; minus strand). Cytogenetic location: 2q35.
Variant type: single nucleotide variant.
Coding change: c.364+1G>A on transcript NM_000465.4 (MANE Select); the canonical splice donor site of the intron after coding-DNA position 364, G replaced by A.
Molecular consequence: splice donor variant. On other transcripts: intron variant (2).
Genome position (GRCh38, 1-based): chr2:214,792,296, C>T on the plus strand (G>A on the coding strand, the complement: BARD1 is on the minus strand). VCF-style: chr2-214792296-C-T. GRCh37 (hg19) VCF-style: chr2-215657020-C-T.
Other names: c.158+17116G>A (NM_001282548.2); c.307+1G>A (NM_001282543.2); c.215+4765G>A (NM_001282545.2); c.364+1G>A (NM_001282549.2, NM_000465.2).
Identifiers: ClinVar variation 1331762 (VCV001331762.8), dbSNP rs2106134408, ClinGen allele CA350460711.

ClinVar aggregate classification (germline): Likely pathogenic. Review status: criteria provided, multiple submitters, no conflicts (2 of 4 stars). 4 submissions from 4 submitters: Likely pathogenic (4). Last evaluated 2026-03-27.

Conditions:
Hereditary cancer-predisposing syndrome. Also called: Neoplastic Syndromes, Hereditary; Tumor predisposition; Hereditary Cancer Syndrome; Hereditary neoplastic syndrome. Identifiers: Orphanet 140162, MedGen C0027672, MeSH D009386, MONDO:0015356.
Familial cancer of breast. Also called: hereditary breast carcinoma; BREAST CANCER, FAMILIAL; Hereditary breast cancer. Identifiers: Orphanet 227535, MedGen C0346153, MONDO:0016419, OMIM 114480. Disease mechanism: loss of function.

Submissions (4):

Ambry Genetics
Classification: Likely pathogenic for Hereditary cancer-predisposing syndrome. Last evaluated: 2026-03-27. Review status: criteria provided, single submitter. Criteria: Ambry Variant Classification Scheme 2023. Collection method: clinical testing. Allele origin: germline.
Comment: The c.364+1G>A intronic variant results from a G to A substitution one nucleotide after coding exon 3 of the BARD1 gene. This variant is considered to be rare based on population cohorts in the Genome Aggregation Database (gnomAD). This nucleotide position is highly conserved in available vertebrate species. In silico splice site analysis predicts that this alteration will weaken the native splice donor site and may result in the creation or strengthening of a novel splice donor site. RNA studies have demonstrated that this variant results in abnormal splicing in the set of samples tested (Ambry internal data). Alterations that disrupt the canonical splice site are expected to cause aberrant splicing, resulting in an abnormal protein or a transcript that is subject to nonsense-mediated mRNA decay. As such, this alteration is classified as likely pathogenic.

Myriad Genetics, Inc.
Classification: Likely pathogenic for Familial cancer of breast. Last evaluated: 2023-05-18. Review status: criteria provided, single submitter. Criteria: Myriad Autosomal Dominant, Autosomal Recessive and X-Linked Classification Criteria (2023). Collection method: clinical testing. Allele origin: unknown.
Comment: This variant is considered likely pathogenic. This variant occurs within a consensus splice junction and is predicted to result in abnormal mRNA splicing of either an out-of-frame exon or an in-frame exon necessary for protein stability and/or normal function.

Baylor Genetics
Classification: Likely pathogenic for Familial cancer of breast. Last evaluated: 2021-05-18. Review status: criteria provided, single submitter. Criteria: ACMG Guidelines, 2015. Collection method: clinical testing. Allele origin: unknown.

Color Diagnostics, LLC DBA Color Health
Classification: Likely pathogenic for Hereditary cancer-predisposing syndrome. Last evaluated: 2021-05-17. Review status: criteria provided, single submitter. Criteria: ACMG Guidelines, 2015. Collection method: clinical testing. Allele origin: germline.
Comment: This variant causes a G to A nucleotide substitution at the +1 position of intron 3 of the BARD1 gene. Although this prediction has not been confirmed in published RNA studies, this variant is expected to result in an absent or disrupted protein product. To our knowledge, this variant has not been reported in individuals affected with hereditary cancer in the literature. This variant has not been identified in the general population by the Genome Aggregation Database (gnomAD). Loss of BARD1 function is a known mechanism of disease. Based on the available evidence, this variant is classified as Likely Pathogenic.